The following is an entry in ClinVar:

NM_153704.6(TMEM67):c.94C>A (p.Arg32Ser)

Gene: TMEM67 (transmembrane protein 67; plus strand). Cytogenetic location: 8q22.1.
Variant type: single nucleotide variant.
Coding change: c.94C>A on transcript NM_153704.6 (MANE Select); coding-DNA position 94, C replaced by A.
Protein change: p.Arg32Ser; replaces arginine 32 with serine.
Molecular consequence: missense variant. On other transcripts: non-coding transcript variant (1), intron variant (1).
Genome position (GRCh38, 1-based): chr8:93,755,008, C>A. VCF-style: chr8-93755008-C-A. GRCh37 (hg19) VCF-style: chr8-94767236-C-A.
Other names: c.-179-12C>A (NM_001142301.1); short protein forms R32S.
Identifiers: ClinVar variation 2131767 (VCV002131767.4), dbSNP rs1349458113, ClinGen allele CA371685216.

ClinVar aggregate classification (germline): Uncertain significance (1 of 4 stars; one submission).

Conditions:
Joubert syndrome. Also called: CEREBELLOPARENCHYMAL DISORDER IV; JOUBERT-BOLTSHAUSER SYNDROME; Familial aplasia of the vermis. Identifiers: Orphanet 475, MedGen C5979921, MONDO:0018772.
Meckel-Gruber syndrome. Also called: DYSENCEPHALIA SPLANCHNOCYSTICA; GRUBER SYNDROME; Dysencephalia splachnocystica. Identifiers: Orphanet 564, MedGen C0265215, MONDO:0018921.

Allele frequency attached by ClinVar (database versions not stated): TOPMed below 0.00001.
gnomAD v4.1: 1 of 1,614,204 alleles (0.000062%); highest among the groups gnomAD compares: Non-Finnish European, 0.000085%; no homozygotes.

Submission:

Labcorp Genetics (formerly Invitae), Labcorp
Classification: Uncertain significance for Joubert syndrome; Meckel-Gruber syndrome. Last evaluated: 2022-04-29. Review status: criteria provided, single submitter. Criteria: Invitae Variant Classification Sherloc (09022015). Collection method: clinical testing. Allele origin: germline.
Comment: In summary, the available evidence is currently insufficient to determine the role of this variant in disease. Therefore, it has been classified as a Variant of Uncertain Significance. Advanced modeling of protein sequence and biophysical properties (such as structural, functional, and spatial information, amino acid conservation, physicochemical variation, residue mobility, and thermodynamic stability) performed at Invitae indicates that this missense variant is not expected to disrupt TMEM67 protein function. This variant has not been reported in the literature in individuals affected with TMEM67-related conditions. This variant is not present in population databases (gnomAD no frequency). This sequence change replaces arginine, which is basic and polar, with serine, which is neutral and polar, at codon 32 of the TMEM67 protein (p.Arg32Ser).